The following is an entry in ClinVar:

ClinVar aggregate classification (germline): Uncertain significance (1 of 4 stars; one submission).

Allele frequency attached by ClinVar (database versions not stated): gnomAD exomes below 0.00001; gnomAD 0.00001; TOPMed 0.00001.
gnomAD v4.1: 2 of 1,614,050 alleles (0.00012%); highest among the groups gnomAD compares: African/African-American, 0.0013%; no homozygotes.

Submission:

CeGaT Center for Human Genetics Tuebingen
Classification: Uncertain significance. Last evaluated: 2022-07-01. Review status: criteria provided, single submitter. Criteria: CeGaT Center For Human Genetics Tuebingen Variant Classification Criteria Version 2. Collection method: clinical testing. Allele origin: germline. Affected: yes. Observed: 1 variant allele.
Comment: SYNE1: PM2, BP4

NM_182961.4(SYNE1):c.16682A>G (p.Gln5561Arg)

Gene: SYNE1 (spectrin repeat containing nuclear envelope protein 1; minus strand). Cytogenetic location: 6q25.2.
Variant type: single nucleotide variant.
Coding change: c.16682A>G on transcript NM_182961.4 (MANE Select); coding-DNA position 16682, A replaced by G.
Protein change: p.Gln5561Arg; replaces glutamine 5561 with arginine.
Molecular consequence: missense variant.
Genome position (GRCh38, 1-based): chr6:152,316,877, T>C on the plus strand (A>G on the coding strand, the complement: SYNE1 is on the minus strand). VCF-style: chr6-152316877-T-C. GRCh37 (hg19) VCF-style: chr6-152638012-T-C.
Other names: c.16469A>G, p.Gln5490Arg (NM_033071.5); short protein forms Q5490R, Q5561R.
Identifiers: ClinVar variation 2657014 (VCV002657014.24), dbSNP rs2095738923, ClinGen allele CA366110103.